The following is an entry in ClinVar:

NM_002470.4(MYH3):c.3971A>G (p.Asn1324Ser)

Gene: MYH3 (myosin heavy chain 3; minus strand). Cytogenetic location: 17p13.1.
Variant type: single nucleotide variant.
Coding change: c.3971A>G on transcript NM_002470.4 (MANE Select); coding-DNA position 3971, A replaced by G.
Protein change: p.Asn1324Ser; replaces asparagine 1324 with serine.
Molecular consequence: missense variant.
Genome position (GRCh38, 1-based): chr17:10,635,739, T>C on the plus strand (A>G on the coding strand, the complement: MYH3 is on the minus strand). VCF-style: chr17-10635739-T-C. GRCh37 (hg19) VCF-style: chr17-10539056-T-C.
Other names: short protein forms N1324S.
Identifiers: ClinVar variation 4886035 (VCV004886035.2).

ClinVar aggregate classification (germline): Uncertain significance (1 of 4 stars; one submission).

Submission:

Dasa
Classification: Uncertain significance. Last evaluated: 2025-10-27. Review status: criteria provided, single submitter. Criteria: DASA Assertion Criteria. Collection method: clinical testing. Allele origin: germline.
Comment: NM_002470.4(MYH3):c.3971A>G (p.Asn1324Ser) is a missense variant that results in the substitution of asparagine with serine. This variant is absent from population databases. Computational prediction algorithms are consistent with a benign effect. The currently available literature and clinical evidence are not sufficient to establish a definitive association between this variant and the reported condition. Therefore, this variant is classified as a variant of uncertain significance.